The following is an entry in ClinVar:

NM_013436.5(NCKAP1):c.2860-5dup

Gene: NCKAP1 (NCK associated protein 1; minus strand). Cytogenetic location: 2q32.1.
Variant type: Duplication.
Coding change: c.2860-5dup on transcript NM_013436.5 (MANE Select); 5 bases into the intron before coding-DNA position 2860, one base duplicated (A; older notation c.2860-5dupA).
Molecular consequence: intron variant.
Genome position (GRCh38, 1-based): chr2:182,930,793, T duplicated on the plus strand (A on the coding strand, the reverse complement: NCKAP1 is on the minus strand). VCF-style (leftmost placement, unchanged base first): chr2-182930792-A-AT. GRCh37 (hg19) VCF-style: chr2-183795520-A-AT.
Other names: c.2878-5dup (NM_205842.3).
Identifiers: ClinVar variation 3040725 (VCV003040725.2), dbSNP rs544480697, ClinGen allele CA2014242.
Genomic context (GRCh38, chr2:182,930,792, plus strand): 5'-ATCAATCTCACAAGGTAATCCGGCAGCTGATGATAACTCATACACATTCATTGCAACCTG[A>AT]TAAAAACAAAAGAATTACAGAGCAATAAATAGTCTAACAAATTTCTGAGAAAGCTCACTG-3'

ClinVar aggregate classification (germline): Likely benign (0 of 4 stars; one submission).

Conditions:
NCKAP1-related disorder. Also called: NCKAP1-related condition.

Allele frequency attached by ClinVar (database versions not stated): gnomAD exomes 0.00007; ExAC 0.00025; gnomAD 0.00068; TOPMed 0.00080; ESP Exome Variant Server 0.00096; 1000 Genomes Project 30x 0.00141; 1000 Genomes Project 0.00160.

Submission:

PreventionGenetics, part of Exact Sciences
Classification: Likely benign for NCKAP1-related condition. Last evaluated: 2019-09-10. Review status: no assertion criteria provided. Collection method: clinical testing. Allele origin: germline.
Comment: This variant is classified as likely benign based on ACMG/AMP sequence variant interpretation guidelines (Richards et al. 2015 PMID: 25741868, with internal and published modifications).